The following is an entry in ClinVar:

NM_001330078.2(NRXN1):c.199G>A (p.Val67Met)

Gene: NRXN1 (neurexin 1; minus strand). Cytogenetic location: 2p16.3.
Variant type: single nucleotide variant.
Coding change: c.199G>A on transcript NM_001330078.2 (MANE Select); coding-DNA position 199, G replaced by A.
Protein change: p.Val67Met; replaces valine 67 with methionine.
Molecular consequence: missense variant.
Genome position (GRCh38, 1-based): chr2:51,028,075, C>T on the plus strand (G>A on the coding strand, the complement: NRXN1 is on the minus strand). VCF-style: chr2-51028075-C-T. GRCh37 (hg19) VCF-style: chr2-51255213-C-T.
Other names: c.199G>A, p.Val67Met (NM_001330086.2, NM_001330087.2, NM_001330088.2 and 15 more transcripts); short protein forms V67M.
Identifiers: ClinVar variation 2115019 (VCV002115019.4), dbSNP rs201964958, ClinGen allele CA1655548.

ClinVar aggregate classification (germline): Uncertain significance (1 of 4 stars; one submission).

Conditions:
Pitt-Hopkins-like syndrome 2 (PTHSL2). Identifiers: Orphanet 221150, Orphanet 600663, MedGen C3280479, MONDO:0013690, OMIM 614325.

Allele frequency attached by ClinVar (database versions not stated): ExAC 0.00001.
gnomAD v4.1: 3 of 1,593,150 alleles (0.00019%); highest among the groups gnomAD compares: Non-Finnish European, 0.00017%; no homozygotes.

Submission:

Labcorp Genetics (formerly Invitae), Labcorp
Classification: Uncertain significance for Pitt-Hopkins-like syndrome 2. Last evaluated: 2022-03-20. Review status: criteria provided, single submitter. Criteria: Invitae Variant Classification Sherloc (09022015). Collection method: clinical testing. Allele origin: germline.
Comment: This sequence change replaces valine, which is neutral and non-polar, with methionine, which is neutral and non-polar, at codon 67 of the NRXN1 protein (p.Val67Met). The frequency data for this variant in the population databases is considered unreliable, as metrics indicate poor data quality at this position in the gnomAD database. This variant has not been reported in the literature in individuals affected with NRXN1-related conditions. Algorithms developed to predict the effect of missense changes on protein structure and function are either unavailable or do not agree on the potential impact of this missense change (SIFT: "Deleterious"; PolyPhen-2: "Possibly Damaging"; Align-GVGD: "Class C0"). In summary, the available evidence is currently insufficient to determine the role of this variant in disease. Therefore, it has been classified as a Variant of Uncertain Significance.